The following is an entry in ClinVar:

NM_001393797.1(ABCC12):c.2704_2708del (p.Thr902fs)

Gene: ABCC12 (ATP binding cassette subfamily C member 12; minus strand). Cytogenetic location: 16q12.1.
Variant type: Deletion.
Coding change: c.2704_2708del on transcript NM_001393797.1 (MANE Select); coding-DNA positions 2704 to 2708, 5 bases deleted (ACGAC; older notation c.2704_2708delACGAC).
Protein change: p.Thr902fs; shifts the reading frame from threonine 902.
Molecular consequence: frameshift variant. On other transcripts: non-coding transcript variant (5).
Genome position (GRCh38, 1-based): chr16:48,104,334-48,104,338, GTCGT deleted on the plus strand (ACGAC on the coding strand, the reverse complement: ABCC12 is on the minus strand); deleting any 5 consecutive bases within chr16:48,104,334-48,104,341 gives the same sequence; the c. name uses the placement nearest the transcript's 3' end. VCF-style (leftmost placement, unchanged base first): chr16-48104333-AGTCGT-A. GRCh37 (hg19) VCF-style: chr16-48138244-AGTCGT-A.
Other names: c.2704_2708del, p.Thr902fs (NM_033226.3); short protein forms T902fs.
Identifiers: ClinVar variation 5001204 (VCV005001204.1).

ClinVar aggregate classification (germline): Likely benign (1 of 4 stars; one submission).

Conditions:
ABCC12-related condition.

Submission:

PreventionGenetics, part of Exact Sciences
Classification: Likely benign for ABCC12-related condition. Last evaluated: 2026-03-05. Review status: criteria provided, single submitter. Criteria: ACMG Guidelines, 2015. Collection method: clinical testing. Allele origin: germline.
Comment: This variant is classified as likely benign based on ACMG/AMP sequence variant interpretation guidelines (Richards et al. 2015 PMID: 25741868, with internal and published modifications).